The following is an entry in ClinVar:

ClinVar aggregate classification (germline): Uncertain significance (1 of 4 stars; one submission).

Conditions:
Combined oxidative phosphorylation defect type 17. Also called: Combined oxidative phosphorylation deficiency 17. Identifiers: Orphanet 369913, MedGen C3809526, MONDO:0014190, OMIM 615440.

Submission:

Labcorp Genetics (formerly Invitae), Labcorp
Classification: Uncertain significance for Combined oxidative phosphorylation defect type 17. Last evaluated: 2022-01-21. Review status: criteria provided, single submitter. Criteria: Invitae Variant Classification Sherloc (09022015). Collection method: clinical testing. Allele origin: germline.
Comment: This sequence change replaces asparagine, which is neutral and polar, with serine, which is neutral and polar, at codon 390 of the ELAC2 protein (p.Asn390Ser). This variant is not present in population databases (gnomAD no frequency). This variant has not been reported in the literature in individuals affected with ELAC2-related conditions. In summary, the available evidence is currently insufficient to determine the role of this variant in disease. Therefore, it has been classified as a Variant of Uncertain Significance. Algorithms developed to predict the effect of missense changes on protein structure and function output the following: SIFT: "Tolerated"; PolyPhen-2: "Benign"; Align-GVGD: "Class C0". The serine amino acid residue is found in multiple mammalian species, which suggests that this missense change does not adversely affect protein function.

NM_018127.7(ELAC2):c.1169A>G (p.Asn390Ser)

Gene: ELAC2 (elaC ribonuclease Z 2; minus strand). Cytogenetic location: 17p12.
Variant type: single nucleotide variant.
Coding change: c.1169A>G on transcript NM_018127.7 (MANE Select); coding-DNA position 1169, A replaced by G.
Protein change: p.Asn390Ser; replaces asparagine 390 with serine.
Molecular consequence: missense variant.
Genome position (GRCh38, 1-based): chr17:13,002,490, T>C on the plus strand (A>G on the coding strand, the complement: ELAC2 is on the minus strand). VCF-style: chr17-13002490-T-C. GRCh37 (hg19) VCF-style: chr17-12905807-T-C.
Other names: c.1049A>G, p.Asn350Ser (NM_001165962.2); c.1169A>G, p.Asn390Ser (NM_173717.2); short protein forms N390S, N350S.
Identifiers: ClinVar variation 2088708 (VCV002088708.3), dbSNP rs2508283544, ClinGen allele CA398225395.